The following is an entry in ClinVar:

ClinVar aggregate classification (germline): Uncertain significance (1 of 4 stars; one submission).

Allele frequency attached by ClinVar (database versions not stated): TOPMed 0.00003; gnomAD 0.00007; gnomAD exomes 0.00008; ExAC 0.00011; ESP Exome Variant Server 0.00015.
gnomAD v4.1: 127 of 1,613,972 alleles (0.0079%); highest among the groups gnomAD compares: Non-Finnish European, 0.01%; no homozygotes.

Submission:

Labcorp Genetics (formerly Invitae), Labcorp
Classification: Uncertain significance. Last evaluated: 2024-10-22. Review status: criteria provided, single submitter. Criteria: Invitae Variant Classification Sherloc (09022015). Collection method: clinical testing. Allele origin: germline.
Comment: This sequence change replaces glutamine, which is neutral and polar, with glutamic acid, which is acidic and polar, at codon 286 of the NDUFA10 protein (p.Gln286Glu). This variant is present in population databases (rs201842545, gnomAD 0.01%). This variant has not been reported in the literature in individuals affected with NDUFA10-related conditions. ClinVar contains an entry for this variant (Variation ID: 2183374). Invitae Evidence Modeling of protein sequence and biophysical properties (such as structural, functional, and spatial information, amino acid conservation, physicochemical variation, residue mobility, and thermodynamic stability) indicates that this missense variant is not expected to disrupt NDUFA10 protein function with a negative predictive value of 80%. In summary, the available evidence is currently insufficient to determine the role of this variant in disease. Therefore, it has been classified as a Variant of Uncertain Significance.

NM_004544.4(NDUFA10):c.856C>G (p.Gln286Glu)

Gene: NDUFA10 (NADH:ubiquinone oxidoreductase subunit A10; minus strand). Cytogenetic location: 2q37.3.
Variant type: single nucleotide variant.
Coding change: c.856C>G on transcript NM_004544.4 (MANE Select); coding-DNA position 856, C replaced by G.
Protein change: p.Gln286Glu; replaces glutamine 286 with glutamic acid.
Molecular consequence: missense variant. On other transcripts: non-coding transcript variant (4).
Genome position (GRCh38, 1-based): chr2:240,005,244, G>C on the plus strand (C>G on the coding strand, the complement: NDUFA10 is on the minus strand). VCF-style: chr2-240005244-G-C. GRCh37 (hg19) VCF-style: chr2-240944661-G-C.
Other names: c.856C>G, p.Gln286Glu (NM_001322019.2, NM_001322020.2); short protein forms Q286E.
Identifiers: ClinVar variation 2183374 (VCV002183374.2), dbSNP rs201842545, ClinGen allele CA323292.